The following is an entry in ClinVar:

NM_006947.4(SRP72):c.1555G>A (p.Glu519Lys)

Gene: SRP72 (signal recognition particle 72; plus strand). Cytogenetic location: 4q12.
Variant type: single nucleotide variant.
Coding change: c.1555G>A on transcript NM_006947.4 (MANE Select); coding-DNA position 1555, G replaced by A.
Protein change: p.Glu519Lys; replaces glutamic acid 519 with lysine.
Molecular consequence: missense variant. On other transcripts: non-coding transcript variant (1).
Genome position (GRCh38, 1-based): chr4:56,491,483, G>A. VCF-style: chr4-56491483-G-A. GRCh37 (hg19) VCF-style: chr4-57357649-G-A.
Other names: c.1372G>A, p.Glu458Lys (NM_001267722.2); short protein forms E458K, E519K.
Identifiers: ClinVar variation 4174978 (VCV004174978.1).

ClinVar aggregate classification (germline): Uncertain significance (1 of 4 stars; one submission).

Submission:

Ambry Genetics
Classification: Uncertain significance. Last evaluated: 2025-08-30. Review status: criteria provided, single submitter. Criteria: Ambry Variant Classification Scheme 2023. Collection method: clinical testing. Allele origin: germline.
Comment: The p.E519K variant (also known as c.1555G>A), located in coding exon 16 of the SRP72 gene, results from a G to A substitution at nucleotide position 1555. The glutamic acid at codon 519 is replaced by lysine, an amino acid with similar properties. This amino acid position is conserved. In addition, the in silico prediction for this alteration is inconclusive. Based on the available evidence, the clinical significance of this variant remains unclear.